The following is an entry in ClinVar:

ClinVar aggregate classification (germline): Uncertain significance (0 of 4 stars; one submission).

Conditions:
IFT172-related disorder. Also called: IFT172-related disorders; IFT172-related condition.

gnomAD v4.1: 3 of 1,613,644 alleles (0.00019%); highest among the groups gnomAD compares: Non-Finnish European, 0.00025%; no homozygotes.

Submission:

PreventionGenetics, part of Exact Sciences
Classification: Uncertain significance for IFT172-related condition. Last evaluated: 2024-02-20. Review status: no assertion criteria provided. Collection method: clinical testing. Allele origin: germline.
Comment: The IFT172 c.3681G>C variant is predicted to result in the amino acid substitution p.Gln1227His. To our knowledge, this variant has not been reported in the literature or in a large population database, indicating this variant is rare. At this time, the clinical significance of this variant is uncertain due to the absence of conclusive functional and genetic evidence.

NM_015662.3(IFT172):c.3681G>C (p.Gln1227His)

Genes: IFT172 (intraflagellar transport 172; minus strand), LOC126806173 (BRD4-independent group 4 enhancer GRCh37_chr2:27676057-27677256; plus strand). Cytogenetic location: 2p23.3.
Variant type: single nucleotide variant.
Coding change: c.3681G>C on transcript NM_015662.3 (MANE Select); coding-DNA position 3681, G replaced by C.
Protein change: p.Gln1227His; replaces glutamine 1227 with histidine.
Molecular consequence: missense variant.
Genome position (GRCh38, 1-based): chr2:27,454,012, C>G on the plus strand (G>C on the coding strand, the complement: IFT172 is on the minus strand). VCF-style: chr2-27454012-C-G. GRCh37 (hg19) VCF-style: chr2-27676879-C-G.
Other names: c.3615G>C, p.Gln1205His (NM_001410739.1); short protein forms Q1205H, Q1227H.
Identifiers: ClinVar variation 3348782 (VCV003348782.1).
Genomic context (GRCh38, chr2:27,454,012, plus strand): 5'-CCCCTCATGGCCCTGCATCCAGTGCCCCACCTTATAATAATTGAGGGCCAGGCCTGGTCT[C>G]TGGGCCCGGAGCAGCAGCCCTTCTGCTTTCTGAAAGTCCTTCTCCTCCAAGGCCCCCCGG-3'
Protein context (NP_056477.1, residues 1217-1237): QKAEGLLLRA[Gln1227His]RPGLALNYYK